The following is an entry in ClinVar:

ClinVar aggregate classification (germline): Uncertain significance (1 of 4 stars; one submission).

gnomAD v4.1: 6 of 1,613,774 alleles (0.00037%); highest among the groups gnomAD compares: Admixed American, 0.01%; no homozygotes.

Submission:

Labcorp Genetics (formerly Invitae), Labcorp
Classification: Uncertain significance. Last evaluated: 2025-12-30. Review status: criteria provided, single submitter. Criteria: Invitae Variant Classification Sherloc (09022015). Collection method: clinical testing. Allele origin: germline.
Comment: This sequence change replaces aspartic acid, which is acidic and polar, with tyrosine, which is neutral and polar, at codon 1067 of the NPAT protein (p.Asp1067Tyr). This variant is present in population databases (rs79119325, gnomAD 0.01%). This variant has not been reported in the literature in individuals affected with NPAT-related conditions. ClinVar contains an entry for this variant (Variation ID: 2754271). An algorithm developed to predict the effect of missense changes on protein structure and function (PolyPhen-2) suggests that this variant is likely to be disruptive. In summary, the available evidence is currently insufficient to determine the role of this variant in disease. Therefore, it has been classified as a Variant of Uncertain Significance.

NM_002519.3(NPAT):c.3199G>T (p.Asp1067Tyr)

Gene: NPAT (nuclear protein, coactivator of histone transcription; minus strand). Cytogenetic location: 11q22.3.
Variant type: single nucleotide variant.
Coding change: c.3199G>T on transcript NM_002519.3 (MANE Select); coding-DNA position 3199, G replaced by T.
Protein change: p.Asp1067Tyr; replaces aspartic acid 1067 with tyrosine.
Molecular consequence: missense variant.
Genome position (GRCh38, 1-based): chr11:108,161,887, C>A on the plus strand (G>T on the coding strand, the complement: NPAT is on the minus strand). VCF-style: chr11-108161887-C-A. GRCh37 (hg19) VCF-style: chr11-108032614-C-A.
Other names: c.3220G>T, p.Asp1074Tyr (NM_001321307.1); short protein forms D1067Y, D1074Y.
Identifiers: ClinVar variation 2754271 (VCV002754271.3), dbSNP rs79119325, ClinGen allele CA6263622.
Genomic context (GRCh38, chr11:108,161,887, plus strand): 5'-TTTGGGACACCATCTTATGGTTTGGCCCCTGCGTATTTGCCACAGGAGCAGTAGTGCTGT[C>A]GAAACAGAGTACACGTCTGTGGCATGGTTTAGCAGCTGGAACTATACTCTCTTCTGGGAA-3'
Protein context (NP_002510.2, residues 1057-1077): KPCHRRVLCF[Asp1067Tyr]STTAPVANTQ